The following is an entry in ClinVar:

NM_001282874.2(SMARCA1):c.1004G>A (p.Arg335His)

Gene: SMARCA1 (SNF2 related chromatin remodeling ATPase 1; minus strand). Cytogenetic location: Xq26.1.
Variant type: single nucleotide variant.
Coding change: c.1004G>A on transcript NM_001282874.2 (MANE Select); coding-DNA position 1004, G replaced by A.
Protein change: p.Arg335His; replaces arginine 335 with histidine.
Molecular consequence: missense variant.
Genome position (GRCh38, 1-based): chrX:129,506,174, C>T on the plus strand (G>A on the coding strand, the complement: SMARCA1 is on the minus strand). VCF-style: chrX-129506174-C-T. GRCh37 (hg19) VCF-style: chrX-128640151-C-T.
Other names: c.1004G>A, p.Arg335His (NM_001378262.1, NM_001378263.1, NM_001378264.1 and 3 more transcripts); short protein forms R335H.
Identifiers: ClinVar variation 4839117 (VCV004839117.1).
Genomic context (GRCh38, chrX:129,506,174, plus strand): 5'-TTGAGTAAGGCCCACAGTTCATGCAGGTTATTCTGCAAAGGTGTTCCAGTTAGGAGCAAG[C>T]GGTTAGTCGACTTGAACTCACGAACAATCTCTGAAAGCTAGAAAATAATACTCATATGAG-3'
Protein context (NP_001269803.1, residues 325-345): EIVREFKSTN[Arg335His]LLLTGTPLQN

ClinVar aggregate classification (germline): Uncertain significance (1 of 4 stars; one submission).

gnomAD v4.1: 4 of 1,193,064 alleles (0.00034%); highest among the groups gnomAD compares: East Asian, 0.003%; no homozygotes.

Submission:

Ambry Genetics
Classification: Uncertain significance. Last evaluated: 2026-01-09. Review status: criteria provided, single submitter. Criteria: Ambry Variant Classification Scheme 2023. Collection method: clinical testing. Allele origin: germline.
Comment: The c.1004G>A (p.R335H) alteration is located in exon 8 (coding exon 8) of the SMARCA1 gene. This alteration results from a G to A substitution at nucleotide position 1004, causing the arginine (R) at amino acid position 335 to be replaced by a histidine (H). Based on data from gnomAD, the A allele has an overall frequency of 0.001% (2/183185) total alleles studied. The highest observed frequency was 0.007% (1/13843) of East Asian alleles. Based on insufficient or conflicting evidence, the clinical significance of this alteration remains unclear.